The following is an entry in ClinVar:

ClinVar aggregate classification (germline): Benign/Likely benign. Review status: criteria provided, multiple submitters, no conflicts (2 of 4 stars). 22 submissions from 21 submitters: Benign (13); Likely benign (2). 7 of the submissions do not count toward it. Last evaluated 2026-08-01.

Conditions:
RYR2-related disorder. Also called: RYR2-related condition.
Cardiovascular phenotype. Identifiers: MedGen CN230736.
Cardiomyopathy (CMYO). Also called: Cardiomyopathies. Identifiers: Orphanet 167848, MedGen C0878544, MONDO:0004994, HP:0001638. Inheritance: Various modes of inheritance.
Catecholaminergic polymorphic ventricular tachycardia 1. Also called: RYR2-Related Catecholaminergic Polymorphic Ventricular Tachycardia; VENTRICULAR TACHYCARDIA, STRESS-INDUCED POLYMORPHIC 1; VENTRICULAR TACHYCARDIA, CATECHOLAMINERGIC POLYMORPHIC, 1, WITH OR WITHOUT ATRIAL DYSFUNCTION AND/OR DILATED CARDIOMYOPATHY. Identifiers: Orphanet 3286, MedGen C1631597, MONDO:0011484, OMIM 604772.
Arrhythmogenic right ventricular dysplasia 2. Identifiers: MedGen C1832931.
Catecholaminergic polymorphic ventricular tachycardia (CVPT). Also called: Catecholamine-induced polymorphic ventricular tachycardia. Identifiers: Orphanet 3286, MedGen C5574922, MONDO:0017990.

Allele frequency attached by ClinVar (database versions not stated): 1000 Genomes Project 0.00160; gnomAD 0.00413 and 0.00399; ESP Exome Variant Server 0.00523; TOPMed 0.00400; gnomAD exomes 0.00403 and 0.00557; ExAC 0.00509; 1000 Genomes Project 30x 0.00187.
gnomAD v4.1: 8,679 of 1,608,896 alleles (0.54%); highest among the groups gnomAD compares: Non-Finnish European, 0.64%; 19 homozygotes.

Submissions (22):

CeGaT Center for Human Genetics Tuebingen
Classification: Benign. Last evaluated: 2026-08-01. Review status: criteria provided, single submitter. Criteria: CeGaT Center For Human Genetics Tuebingen Variant Classification Criteria Version 2. Collection method: clinical testing. Allele origin: germline. Affected: yes. Observed: 56 variant alleles.
Comment: RYR2: BP4, BS1, BS2

Labcorp Genetics (formerly Invitae), Labcorp
Classification: Benign for Catecholaminergic polymorphic ventricular tachycardia 1. Last evaluated: 2026-02-04. Review status: criteria provided, single submitter. Criteria: Invitae Variant Classification Sherloc (09022015). Collection method: clinical testing. Allele origin: germline.

Mayo Clinic Laboratories, Mayo Clinic
Classification: Benign. Last evaluated: 2025-08-29. Review status: criteria provided, single submitter. Criteria: ACMG Guidelines, 2015. Collection method: clinical testing. Allele origin: germline. Observed: 13 variant alleles.
Comment: BS1, BS2, BP4, BP7

Molecular Diagnostic Laboratory for Inherited Cardiovascular Disease, Montreal Heart Institute
Classification: Benign. Last evaluated: 2025-04-08. Review status: criteria provided, single submitter. Criteria: ACMG Guidelines, 2015. Collection method: clinical testing. Allele origin: germline. Affected: no.

Blueprint Genetics
Classification: Benign. Last evaluated: 2024-11-25. Review status: criteria provided, single submitter. Criteria: ACMG Guidelines, 2015. Collection method: clinical testing. Allele origin: germline.

All of Us Research Program, National Institutes of Health
Classification: Benign for Catecholaminergic polymorphic ventricular tachycardia. Last evaluated: 2024-02-05. Review status: criteria provided, single submitter. Criteria: ACMG Guidelines, 2015. Collection method: clinical testing. Allele origin: germline. Inheritance: Autosomal dominant inheritance. Observed: 1,151 variant alleles, 1,146 heterozygotes, 5 homozygotes.
Comment: This study involves interpretation of variants in research participants for the purpose of population health screening. Participant phenotype was not available at the time of variant classification. Additional details can be found in publication PMID: 35346344, PMCID: PMC8962531

ARUP Laboratories, Molecular Genetics and Genomics, ARUP Laboratories
Classification: Benign. Last evaluated: 2022-12-01. Review status: criteria provided, single submitter. Criteria: ARUP Molecular Germline Variant Investigation Process 2024. Collection method: clinical testing. Allele origin: germline.

Color Diagnostics, LLC DBA Color Health
Classification: Benign for Cardiomyopathy. Last evaluated: 2018-03-14. Review status: criteria provided, single submitter. Criteria: ACMG Guidelines, 2015. Collection method: clinical testing. Allele origin: germline.

Illumina Laboratory Services, Illumina
Classification: Likely benign for Catecholaminergic polymorphic ventricular tachycardia 1. Last evaluated: 2018-01-12. Review status: criteria provided, single submitter. Criteria: ICSL Variant Classification Criteria 13 December 2019. Collection method: clinical testing. Allele origin: germline.
Comment: This variant was observed in the ICSL laboratory as part of a predisposition screen in an ostensibly healthy population. It had not been previously curated by ICSL or reported in the Human Gene Mutation Database (HGMD: prior to June 1st, 2018), and was therefore a candidate for classification through an automated scoring system. Utilizing variant allele frequency, disease prevalence and penetrance estimates, and inheritance mode, an automated score was calculated to assess if this variant is too frequent to cause the disease. Based on the score and internal cut-off values, a variant classified as likely benign is not then subjected to further curation. The score for this variant resulted in a classification of likely benign for this disease.

Illumina Laboratory Services, Illumina
Classification: Benign for Catecholaminergic polymorphic ventricular tachycardia 1. Last evaluated: 2018-01-12. Review status: criteria provided, single submitter. Criteria: ICSL Variant Classification Criteria 13 December 2019. Collection method: clinical testing. Allele origin: germline.
Comment: This variant was observed in the ICSL laboratory as part of a predisposition screen in an ostensibly healthy population. It had not been previously curated by ICSL or reported in the Human Gene Mutation Database (HGMD: prior to June 1st, 2018), and was therefore a candidate for classification through an automated scoring system. Utilizing variant allele frequency, disease prevalence and penetrance estimates, and inheritance mode, an automated score was calculated to assess if this variant is too frequent to cause the disease. Based on the score and internal cut-off values, a variant classified as benign is not then subjected to further curation. The score for this variant resulted in a classification of benign for this disease.

CHEO Genetics Diagnostic Laboratory, Children's Hospital of Eastern Ontario
Classification: Benign for Cardiomyopathy. Last evaluated: 2016-07-05. Review status: criteria provided, single submitter. Criteria: ACMG Guidelines, 2015. Collection method: clinical testing. Allele origin: germline. Study: Canadian Open Genetics Repository.

Ambry Genetics
Classification: Likely benign for Cardiovascular phenotype. Last evaluated: 2016-04-19. Review status: criteria provided, single submitter. Criteria: Ambry Variant Classification Scheme 2023. Collection method: clinical testing. Allele origin: germline.

GeneDx
Classification: Benign. Last evaluated: 2015-03-03. Review status: criteria provided, single submitter. Criteria: GeneDx Variant Classification Process June 2021. Collection method: clinical testing. Allele origin: germline. Affected: yes.

Eurofins Ntd Llc (ga)
Classification: Benign. Last evaluated: 2013-03-12. Review status: criteria provided, single submitter. Criteria: EGL Classification Definitions 2015. Collection method: clinical testing. Allele origin: germline. Observed: 1 variant allele, 1 heterozygote.

Laboratory for Molecular Medicine, Mass General Brigham Personalized Medicine
Classification: Benign. Last evaluated: 2012-03-23. Review status: criteria provided, single submitter. Criteria: LMM Criteria. Collection method: clinical testing. Allele origin: germline. Observed: 17 variant alleles.
Comment: Asp2455Asp in exon 49 of RYR2: This variant is not expected to have clinical sig nificance because it does not alter an amino acid residue, is not located within the splice consensus sequence, and has been identified in 0.6% (43/6656) of Eur opean American chromosomes from a broad population by the NHLBI Exome Sequencing Project (dbSNP rs72549416)

PreventionGenetics, part of Exact Sciences
Classification: Likely benign for RYR2-related condition. Last evaluated: 2019-04-12. Review status: no assertion criteria provided. Collection method: clinical testing. Allele origin: germline. Not counted in ClinVar's aggregate classification.
Comment: This variant is classified as likely benign based on ACMG/AMP sequence variant interpretation guidelines (Richards et al. 2015 PMID: 25741868, with internal and published modifications).

Women's Health and Genetics/Laboratory Corporation of America, LabCorp
Classification: Benign for Cardiomyopathy. Last evaluated: 2014-03-20. Review status: no assertion criteria provided. Collection method: clinical testing. Allele origin: germline. Not counted in ClinVar's aggregate classification.

Clinical Genetics DNA and cytogenetics Diagnostics Lab, Erasmus MC, Erasmus Medical Center
Classification: Likely benign. Review status: no assertion criteria provided. Collection method: clinical testing. Allele origin: germline. Affected: yes. Study: VKGL Data-share Consensus. Not counted in ClinVar's aggregate classification.

Clinical Genetics, Academic Medical Center
Classification: Benign. Review status: no assertion criteria provided. Collection method: clinical testing. Allele origin: germline. Affected: yes. Study: VKGL Data-share Consensus. Not counted in ClinVar's aggregate classification.

Diagnostic Laboratory, Department of Genetics, University Medical Center Groningen
Classification: Likely benign. Review status: no assertion criteria provided. Collection method: clinical testing. Allele origin: germline. Affected: yes. Study: VKGL Data-share Consensus. Not counted in ClinVar's aggregate classification.

Genome Diagnostics Laboratory, University Medical Center Utrecht
Classification: Benign. Review status: no assertion criteria provided. Collection method: clinical testing. Allele origin: germline. Affected: yes. Study: VKGL Data-share Consensus. Not counted in ClinVar's aggregate classification.

Joint Genome Diagnostic Labs from Nijmegen and Maastricht, Radboudumc and MUMC+
Classification: Benign. Review status: no assertion criteria provided. Collection method: clinical testing. Allele origin: germline. Affected: yes. Study: VKGL Data-share Consensus. Not counted in ClinVar's aggregate classification.

NM_001035.3(RYR2):c.7365C>T (p.Asp2455=)

Gene: RYR2 (ryanodine receptor 2; plus strand). Cytogenetic location: 1q43.
Variant type: single nucleotide variant.
Coding change: c.7365C>T on transcript NM_001035.3 (MANE Select); coding-DNA position 7365, C replaced by T.
Protein change: p.Asp2455=; no amino-acid change (aspartic acid 2455 retained).
Molecular consequence: synonymous variant.
Genome position (GRCh38, 1-based): chr1:237,648,466, C>T. VCF-style: chr1-237648466-C-T. GRCh37 (hg19) VCF-style: chr1-237811766-C-T.
Other names: p.Asp2455=.
Identifiers: ClinVar variation 36748 (VCV000036748.80), dbSNP rs72549416, ClinGen allele CA010683.